The following is an entry in ClinVar:

ClinVar aggregate classification (germline): Likely benign. Review status: criteria provided, multiple submitters, no conflicts (2 of 4 stars). 3 submissions from 3 submitters: Likely benign (3). Last evaluated 2025-09-23.

Conditions:
Inborn genetic diseases. Identifiers: MedGen C0950123, MeSH D030342.
Frasier syndrome. Identifiers: Orphanet 347, MedGen C0950122, MeSH D052159, MONDO:0007635, OMIM 136680.
Drash syndrome (DDS). Also called: NEPHROPATHY, WILMS TUMOR, AND GENITAL ANOMALIES; WILMS TUMOR AND PSEUDO- OR TRUE HERMAPHRODITISM. Identifiers: Orphanet 220, MedGen C0950121, MONDO:0008682, OMIM 194080.
Wilms tumor 1 (WT1). Also called: Wilms tumor, somatic. Identifiers: Orphanet 654, MedGen CN033288, MONDO:0008679, OMIM 194070.
11p partial monosomy syndrome (WAGR). Also called: WAGR syndrome; WAGR Complex; CHROMOSOME 11p13 DELETION SYNDROME; WAGR Spectrum Disorder. Identifiers: Orphanet 893, MedGen C0206115, MONDO:0008681, OMIM 194072.

Allele frequency attached by ClinVar (database versions not stated): gnomAD 0.00001; gnomAD exomes 0.00001; TOPMed 0.00001.
gnomAD v4.1: 10 of 1,498,496 alleles (0.00067%); highest among the groups gnomAD compares: Non-Finnish European, 0.00079%; no homozygotes.

Submissions (3):

Labcorp Genetics (formerly Invitae), Labcorp
Classification: Likely benign for Wilms tumor 1; Drash syndrome; 11p partial monosomy syndrome; Frasier syndrome. Last evaluated: 2025-09-23. Review status: criteria provided, single submitter. Criteria: Invitae Variant Classification Sherloc (09022015). Collection method: clinical testing. Allele origin: germline.

Ambry Genetics
Classification: Likely benign for Inborn genetic diseases. Last evaluated: 2024-11-24. Review status: criteria provided, single submitter. Criteria: Ambry Variant Classification Scheme 2023. Collection method: clinical testing. Allele origin: germline.

All of Us Research Program, National Institutes of Health
Classification: Likely benign for Wilms tumor 1. Last evaluated: 2023-08-15. Review status: criteria provided, single submitter. Criteria: ACMG Guidelines, 2015. Collection method: clinical testing. Allele origin: germline. Inheritance: Autosomal dominant inheritance. Observed: 3 variant alleles, 3 heterozygotes.
Comment: This study involves interpretation of variants in research participants for the purpose of population health screening. Participant phenotype was not available at the time of variant classification. Additional details can be found in publication PMID: 35346344, PMCID: PMC8962531

NM_024426.6(WT1):c.366G>A (p.Gly122=)

Genes: WT1 (WT1 transcription factor; minus strand), LOC107982234 (WT1/WT1-AS bi-directional promoter region; plus strand). Cytogenetic location: 11p13.
Variant type: single nucleotide variant.
Coding change: c.366G>A on transcript NM_024426.6 (MANE Select); coding-DNA position 366, G replaced by A.
Protein change: p.Gly122=; no amino-acid change (glycine 122 retained).
Molecular consequence: synonymous variant. On other transcripts: non-coding transcript variant (1).
Genome position (GRCh38, 1-based): chr11:32,434,995, C>T on the plus strand (G>A on the coding strand, the complement: WT1 is on the minus strand). VCF-style: chr11-32434995-C-T. GRCh37 (hg19) VCF-style: chr11-32456541-C-T.
Other names: c.366G>A, p.Gly122= (NM_000378.6, NM_024424.5).
Identifiers: ClinVar variation 700587 (VCV000700587.13), dbSNP rs1362739411, ClinGen allele CA473773768.